The following is an entry in ClinVar:

NM_006031.6(PCNT):c.3041A>G (p.Gln1014Arg)

Gene: PCNT (pericentrin; plus strand). Cytogenetic location: 21q22.3.
Variant type: single nucleotide variant.
Coding change: c.3041A>G on transcript NM_006031.6 (MANE Select); coding-DNA position 3041, A replaced by G.
Protein change: p.Gln1014Arg; replaces glutamine 1014 with arginine.
Molecular consequence: missense variant.
Genome position (GRCh38, 1-based): chr21:46,367,015, A>G. VCF-style: chr21-46367015-A-G. GRCh37 (hg19) VCF-style: chr21-47786930-A-G.
Other names: c.2687A>G, p.Gln896Arg (NM_001315529.2); short protein forms Q1014R, Q896R.
Identifiers: ClinVar variation 4985547 (VCV004985547.1).

ClinVar aggregate classification (germline): Uncertain significance (1 of 4 stars; one submission).

Conditions:
PCNT-related disorder. Also called: PCNT-related condition.

gnomAD v4.1: 7 of 1,614,166 alleles (0.00043%); highest among the groups gnomAD compares: Middle Eastern, 0.017%; no homozygotes.

Submission:

PreventionGenetics, part of Exact Sciences
Classification: Uncertain significance for PCNT-related condition. Last evaluated: 2026-05-27. Review status: criteria provided, single submitter. Criteria: ACMG Guidelines, 2015. Collection method: clinical testing. Allele origin: germline.
Comment: The PCNT c.3041A>G variant is predicted to result in the amino acid substitution p.Gln1014Arg. To our knowledge, this variant has not been reported in the literature. This variant is reported in 0.0015% of alleles in individuals of European (Non-Finnish) descent in gnomAD. At this time, the clinical significance of this variant is uncertain due to the absence of conclusive functional and genetic evidence.